The following is an entry in ClinVar:

ClinVar aggregate classification (germline): Uncertain significance. Review status: criteria provided, multiple submitters, no conflicts (2 of 4 stars). 7 submissions from 7 submitters: Uncertain significance (6). 1 of the submissions does not count toward it. Last evaluated 2025-12-23.

Conditions:
Usher syndrome type 1 (USH1). Also called: RETINITIS PIGMENTOSA AND CONGENITAL DEAFNESS. Identifiers: Orphanet 231169, Orphanet 886, MedGen C1568247, MONDO:0010168, OMIM 276900.
Pituitary adenoma 5, multiple types. Identifiers: MedGen C4539685, MONDO:0054601, OMIM 617540.
Usher syndrome type 1D (USH1D). Also called: USHER SYNDROME, TYPE ID. Identifiers: Orphanet 231169, Orphanet 886, MedGen C1832845, MONDO:0010984, OMIM 601067.
Autosomal recessive nonsyndromic hearing loss 12. Also called: DEAFNESS, AUTOSOMAL RECESSIVE 12. Identifiers: Orphanet 90636, MedGen C1832394, MONDO:0011067, OMIM 601386.
CDH23-related disorder. Also called: CDH23-related disorders; CDH23-related condition.

Allele frequency attached by ClinVar (database versions not stated): ExAC 0.00002; gnomAD exomes 0.00003; TOPMed 0.00008; ESP Exome Variant Server 0.00016.
gnomAD v4.1: 70 of 1,600,548 alleles (0.0044%); highest among the groups gnomAD compares: African/African-American, 0.0081%; no homozygotes.

Submissions (7):

PreventionGenetics, part of Exact Sciences
Classification: Uncertain significance for CDH23-related condition. Last evaluated: 2025-12-23. Review status: criteria provided, single submitter. Criteria: ACMG Guidelines, 2015. Collection method: clinical testing. Allele origin: germline.
Comment: The CDH23 c.7822C>T variant is predicted to result in the amino acid substitution p.Arg2608Cys. This variant has been reported in the heterozygous state in an individual with nonsyndromic sensorineural hearing loss (Bademci et al. 2016. PubMed ID: 26226137). This variant is reported in 0.0061% of alleles in individuals of European (non-Finnish) descent in gnomAD. At this time, the clinical significance of this variant is uncertain due to the absence of conclusive functional and genetic evidence.

GeneDx
Classification: Uncertain significance. Last evaluated: 2025-10-30. Review status: criteria provided, single submitter. Criteria: GeneDx Variant Classification Process June 2021. Collection method: clinical testing. Allele origin: germline. Affected: yes.
Comment: Not observed at significant frequency in large population cohorts (gnomAD); In silico analysis supports that this missense variant has a deleterious effect on protein structure/function; This variant is associated with the following publications: (PMID: 28483220, 26226137)

Blueprint Genetics
Classification: Uncertain significance. Last evaluated: 2024-07-04. Review status: criteria provided, single submitter. Criteria: ACMG Guidelines, 2015. Collection method: clinical testing. Allele origin: germline.

Labcorp Genetics (formerly Invitae), Labcorp
Classification: Uncertain significance. Last evaluated: 2022-06-27. Review status: criteria provided, single submitter. Criteria: Invitae Variant Classification Sherloc (09022015). Collection method: clinical testing. Allele origin: germline.
Comment: This sequence change replaces arginine, which is basic and polar, with cysteine, which is neutral and slightly polar, at codon 2608 of the CDH23 protein (p.Arg2608Cys). This variant is present in population databases (rs370922401, gnomAD 0.006%). This missense change has been observed in individual(s) with deafness (PMID: 26226137). ClinVar contains an entry for this variant (Variation ID: 935741). Algorithms developed to predict the effect of missense changes on protein structure and function are either unavailable or do not agree on the potential impact of this missense change (SIFT: "Deleterious"; PolyPhen-2: "Not Available"; Align-GVGD: "Class C0"). In summary, the available evidence is currently insufficient to determine the role of this variant in disease. Therefore, it has been classified as a Variant of Uncertain Significance.

Fulgent Genetics
Classification: Uncertain significance for Usher syndrome type 1D; Autosomal recessive nonsyndromic hearing loss 12; Pituitary adenoma 5, multiple types. Last evaluated: 2021-10-30. Review status: criteria provided, single submitter. Criteria: ACMG Guidelines, 2015. Collection method: clinical testing. Allele origin: unknown.

Women's Health and Genetics/Laboratory Corporation of America, LabCorp
Classification: Uncertain significance. Last evaluated: 2021-08-12. Review status: criteria provided, single submitter. Criteria: LabCorp Variant Classification Summary - May 2015. Collection method: clinical testing. Allele origin: germline.
Comment: Variant summary: CDH23 c.7822C>T (p.Arg2608Cys) results in a non-conservative amino acid change located in the extracellular cadherin repeat (EC25, Jaiganesh_2018) of the encoded protein sequence. Four of five in-silico tools predict a damaging effect of the variant on protein function. The variant allele was found at a frequency of 3.1e-05 in 225104 control chromosomes (gnomAD). The available data on variant occurrences in the general population are insufficient to allow any conclusion about variant significance. c.7822C>T has been reported in the literature in one individual affected with non-syndromic sensorineural hearing loss (Bademci_2015). The data does not allow any conclusion about variant significance. To our knowledge, no experimental evidence demonstrating an impact on protein function has been reported. One ClinVar submitter (evaluation after 2014) cites the variant as uncertain significance. Based on the evidence outlined above, the variant was classified as uncertain significance.

Natera, Inc.
Classification: Uncertain significance for Usher syndrome type 1. Last evaluated: 2020-05-22. Review status: no assertion criteria provided. Collection method: clinical testing. Allele origin: germline. Not counted in ClinVar's aggregate classification.

Literature cited by the submitters: PubMed 26226137 (cited by Labcorp Genetics (formerly Invitae), Labcorp and Women's Health and Genetics/Laboratory Corporation of America, LabCorp); PubMed 28483220 (cited by Women's Health and Genetics/Laboratory Corporation of America, LabCorp); PubMed 28847902 (cited by Women's Health and Genetics/Laboratory Corporation of America, LabCorp); PubMed 30033219 (cited by Women's Health and Genetics/Laboratory Corporation of America, LabCorp).

NM_022124.6(CDH23):c.7822C>T (p.Arg2608Cys)

Gene: CDH23 (cadherin related 23; plus strand). Cytogenetic location: 10q22.1.
Variant type: single nucleotide variant.
Coding change: c.7822C>T on transcript NM_022124.6 (MANE Select); coding-DNA position 7822, C replaced by T.
Protein change: p.Arg2608Cys; replaces arginine 2608 with cysteine.
Molecular consequence: missense variant.
Genome position (GRCh38, 1-based): chr10:71,803,370, C>T. VCF-style: chr10-71803370-C-T. GRCh37 (hg19) VCF-style: chr10-73563127-C-T.
Other names: c.1102C>T, p.Arg368Cys (NM_001171933.1, NM_001171934.1); short protein forms R2608C, R368C.
Identifiers: ClinVar variation 935741 (VCV000935741.12), dbSNP rs370922401, ClinGen allele CA5546444.